The following is an entry in ClinVar:

ClinVar aggregate classification (germline): Pathogenic. Review status: criteria provided, single submitter (1 of 4 stars). 2 submissions from 2 submitters: Pathogenic (1). 1 of the submissions does not count toward it. Last evaluated 2021-09-09.

Conditions:
Phenylketonuria (PKU). Also called: Phenylketonurias; Phenylketonuria (PKU); OLIGOPHRENIA PHENYLPYRUVICA; FOLLING DISEASE. Identifiers: Orphanet 716, MedGen C0031485, MONDO:0009861, OMIM 261600. Disease mechanism: loss of function.

Submissions (2):

Labcorp Genetics (formerly Invitae), Labcorp
Classification: Pathogenic for Phenylketonuria. Last evaluated: 2021-09-09. Review status: criteria provided, single submitter. Criteria: Invitae Variant Classification Sherloc (09022015). Collection method: clinical testing. Allele origin: germline.
Comment: This sequence change affects an acceptor splice site in intron 8 of the PAH gene. It is expected to disrupt RNA splicing. Variants that disrupt the donor or acceptor splice site typically lead to a loss of protein function (PMID: 16199547), and loss-of-function variants in PAH are known to be pathogenic (PMID: 1301187, 9634518). This variant is not present in population databases (ExAC no frequency). Disruption of this splice site has been observed in individuals with hyperphenylalaninemia (PMID: 22526846). ClinVar contains an entry for this variant (Variation ID: 553019). For these reasons, this variant has been classified as Pathogenic.

Counsyl
Classification: Likely pathogenic for Phenylketonuria. Last evaluated: 2017-07-25. Review status: no assertion criteria provided. Collection method: clinical testing. Allele origin: unknown. Not counted in ClinVar's aggregate classification.

Literature cited by the submitters: PubMed 16199547 (cited by Labcorp Genetics (formerly Invitae), Labcorp); PubMed 1301187 (cited by Labcorp Genetics (formerly Invitae), Labcorp); PubMed 9634518 (cited by Labcorp Genetics (formerly Invitae), Labcorp); PubMed 22526846 (cited by Labcorp Genetics (formerly Invitae), Labcorp).

NM_000277.3(PAH):c.913-2A>C

Gene: PAH (phenylalanine hydroxylase; minus strand). Cytogenetic location: 12q23.2.
Variant type: single nucleotide variant.
Coding change: c.913-2A>C on transcript NM_000277.3 (MANE Select); the canonical splice acceptor site of the intron before coding-DNA position 913, A replaced by C.
Molecular consequence: splice acceptor variant.
Genome position (GRCh38, 1-based): chr12:102,846,953, T>G on the plus strand (A>C on the coding strand, the complement: PAH is on the minus strand). VCF-style: chr12-102846953-T-G. GRCh37 (hg19) VCF-style: chr12-103240731-T-G.
Other names: c.913-2A>C (NM_001354304.2).
Identifiers: ClinVar variation 553019 (VCV000553019.8), dbSNP rs1555203951, ClinGen allele CA386291805.